The following is an entry in ClinVar:

ClinVar aggregate classification (germline): Uncertain significance (1 of 4 stars; one submission).

Submission:

Labcorp Genetics (formerly Invitae), Labcorp
Classification: Uncertain significance. Last evaluated: 2025-12-21. Review status: criteria provided, single submitter. Criteria: Invitae Variant Classification Sherloc (09022015). Collection method: clinical testing. Allele origin: germline.
Comment: This sequence change replaces glutamic acid, which is acidic and polar, with lysine, which is basic and polar, at codon 177 of the SLC45A2 protein (p.Glu177Lys). This variant is not present in population databases (gnomAD no frequency). This variant has not been reported in the literature in individuals affected with SLC45A2-related conditions. Invitae Evidence Modeling of protein sequence and biophysical properties (such as structural, functional, and spatial information, amino acid conservation, physicochemical variation, residue mobility, and thermodynamic stability) indicates that this missense variant is not expected to disrupt SLC45A2 protein function with a negative predictive value of 80%. In summary, the available evidence is currently insufficient to determine the role of this variant in disease. Therefore, it has been classified as a Variant of Uncertain Significance.

NM_016180.5(SLC45A2):c.529G>A (p.Glu177Lys)

Gene: SLC45A2 (solute carrier family 45 member 2; minus strand). Cytogenetic location: 5p13.2.
Variant type: single nucleotide variant.
Coding change: c.529G>A on transcript NM_016180.5 (MANE Select); coding-DNA position 529, G replaced by A.
Protein change: p.Glu177Lys; replaces glutamic acid 177 with lysine.
Molecular consequence: missense variant.
Genome position (GRCh38, 1-based): chr5:33,982,269, C>T on the plus strand (G>A on the coding strand, the complement: SLC45A2 is on the minus strand). VCF-style: chr5-33982269-C-T. GRCh37 (hg19) VCF-style: chr5-33982374-C-T.
Other names: c.529G>A, p.Glu177Lys (NM_001012509.4, NM_001297417.4); short protein forms E177K.
Identifiers: ClinVar variation 4741765 (VCV004741765.1).